The following is an entry in ClinVar:

NM_001171.6(ABCC6):c.1660C>A (p.His554Asn)

Gene: ABCC6 (ATP binding cassette subfamily C member 6; minus strand). Cytogenetic location: 16p13.11.
Variant type: single nucleotide variant.
Coding change: c.1660C>A on transcript NM_001171.6 (MANE Select); coding-DNA position 1660, C replaced by A.
Protein change: p.His554Asn; replaces histidine 554 with asparagine.
Molecular consequence: missense variant. On other transcripts: non-coding transcript variant (1).
Genome position (GRCh38, 1-based): chr16:16,188,950, G>T on the plus strand (C>A on the coding strand, the complement: ABCC6 is on the minus strand). VCF-style: chr16-16188950-G-T. GRCh37 (hg19) VCF-style: chr16-16282807-G-T.
Other names: c.1318C>A, p.His440Asn (NM_001351800.1); short protein forms H440N, H554N.
Identifiers: ClinVar variation 1421271 (VCV001421271.8), dbSNP rs2152268648, ClinGen allele CA394889470.

ClinVar aggregate classification (germline): Uncertain significance (1 of 4 stars; one submission).

Submission:

Labcorp Genetics (formerly Invitae), Labcorp
Classification: Uncertain significance. Last evaluated: 2024-11-04. Review status: criteria provided, single submitter. Criteria: Invitae Variant Classification Sherloc (09022015). Collection method: clinical testing. Allele origin: germline.
Comment: This sequence change replaces histidine, which is basic and polar, with asparagine, which is neutral and polar, at codon 554 of the ABCC6 protein (p.His554Asn). This variant is not present in population databases (gnomAD no frequency). This variant has not been reported in the literature in individuals affected with ABCC6-related conditions. ClinVar contains an entry for this variant (Variation ID: 1421271). Invitae Evidence Modeling of protein sequence and biophysical properties (such as structural, functional, and spatial information, amino acid conservation, physicochemical variation, residue mobility, and thermodynamic stability) has been performed for this missense variant. However, the output from this modeling did not meet the statistical confidence thresholds required to predict the impact of this variant on ABCC6 protein function. In summary, the available evidence is currently insufficient to determine the role of this variant in disease. Therefore, it has been classified as a Variant of Uncertain Significance.